The following is an entry in ClinVar:

ClinVar aggregate classification (germline): Uncertain significance. Review status: criteria provided, multiple submitters, no conflicts (2 of 4 stars). 2 submissions from 2 submitters: Uncertain significance (2). Last evaluated 2024-06-26.

Conditions:
Hereditary cancer-predisposing syndrome. Also called: Tumor predisposition; Neoplastic Syndromes, Hereditary; Hereditary Cancer Syndrome; Hereditary neoplastic syndrome. Identifiers: Orphanet 140162, MedGen C0027672, MeSH D009386, MONDO:0015356.
Neuroblastoma, susceptibility to, 3. Also called: ALK-Related Neuroblastic Tumor Susceptibility. Identifiers: Orphanet 635, MedGen C2751681, MONDO:0013083, OMIM 613014.

Allele frequency attached by ClinVar (database versions not stated): gnomAD exomes below 0.00001.
gnomAD v4.1: 1 of 1,614,192 alleles (0.000062%); highest among the groups gnomAD compares: Non-Finnish European, 0.000085%; no homozygotes.

Submissions (2):

Labcorp Genetics (formerly Invitae), Labcorp
Classification: Uncertain significance for Neuroblastoma, susceptibility to, 3. Last evaluated: 2024-06-26. Review status: criteria provided, single submitter. Criteria: Invitae Variant Classification Sherloc (09022015). Collection method: clinical testing. Allele origin: germline.
Comment: This sequence change replaces glutamic acid, which is acidic and polar, with glycine, which is neutral and non-polar, at codon 1077 of the ALK protein (p.Glu1077Gly). This variant is not present in population databases (gnomAD no frequency). This variant has not been reported in the literature in individuals affected with ALK-related conditions. ClinVar contains an entry for this variant (Variation ID: 2601904). An algorithm developed to predict the effect of missense changes on protein structure and function (PolyPhen-2) suggests that this variant is likely to be disruptive. In summary, the available evidence is currently insufficient to determine the role of this variant in disease. Therefore, it has been classified as a Variant of Uncertain Significance.

Ambry Genetics
Classification: Uncertain significance for Hereditary cancer-predisposing syndrome. Last evaluated: 2023-09-06. Review status: criteria provided, single submitter. Criteria: Ambry Variant Classification Scheme 2023. Collection method: clinical testing. Allele origin: germline.
Comment: The p.E1077G variant (also known as c.3230A>G), located in coding exon 20 of the ALK gene, results from an A to G substitution at nucleotide position 3230. The glutamic acid at codon 1077 is replaced by glycine, an amino acid with similar properties. This amino acid position is conserved. In addition, the in silico prediction for this alteration is inconclusive. Since supporting evidence is limited at this time, the clinical significance of this alteration remains unclear.

NM_004304.5(ALK):c.3230A>G (p.Glu1077Gly)

Gene: ALK (ALK receptor tyrosine kinase; minus strand). Cytogenetic location: 2p23.2.
Variant type: single nucleotide variant.
Coding change: c.3230A>G on transcript NM_004304.5 (MANE Select); coding-DNA position 3230, A replaced by G.
Protein change: p.Glu1077Gly; replaces glutamic acid 1077 with glycine.
Molecular consequence: missense variant.
Genome position (GRCh38, 1-based): chr2:29,223,471, T>C on the plus strand (A>G on the coding strand, the complement: ALK is on the minus strand). VCF-style: chr2-29223471-T-C. GRCh37 (hg19) VCF-style: chr2-29446337-T-C.
Other names: c.26A>G, p.Glu9Gly (NM_001353765.2); short protein forms E1077G, E9G.
Identifiers: ClinVar variation 2601904 (VCV002601904.4), dbSNP rs2148171042, ClinGen allele CA346465398.